The following is an entry in ClinVar:

ClinVar aggregate classification (germline): Benign/Likely benign. Review status: criteria provided, multiple submitters, no conflicts (2 of 4 stars). 6 submissions from 6 submitters: Benign (3); Likely benign (1). 2 of the submissions do not count toward it. Last evaluated 2026-02-02.

Conditions:
Multiple sulfatase deficiency (MSD). Also called: Sulfatidosis, Juvenile, Austin Type; Mucosulfatidosis; Multiple Sulfatase Deficiency Disease. Identifiers: Orphanet 585, MedGen C0268263, MONDO:0010088, OMIM 272200.
SUMF1-related disorder. Also called: SUMF1-related condition.

Allele frequency attached by ClinVar (database versions not stated): gnomAD below 0.00001 and 0.00017; TOPMed 0.00003; ESP Exome Variant Server 0.00008; gnomAD exomes 0.00043 and 0.00103; 1000 Genomes Project 0.00160; 1000 Genomes Project 30x 0.00172; ExAC 0.00346.
gnomAD v4.1: 646 of 1,587,508 alleles (0.041%); highest among the groups gnomAD compares: South Asian, 0.68%; 7 homozygotes.

Submissions (6):

Labcorp Genetics (formerly Invitae), Labcorp
Classification: Benign for Multiple sulfatase deficiency. Last evaluated: 2026-02-02. Review status: criteria provided, single submitter. Criteria: Invitae Variant Classification Sherloc (09022015). Collection method: clinical testing. Allele origin: germline.

Blueprint Genetics
Classification: Likely benign. Last evaluated: 2024-07-11. Review status: criteria provided, single submitter. Criteria: ACMG Guidelines, 2015. Collection method: clinical testing. Allele origin: germline.

Genome-Nilou Lab
Classification: Benign for Multiple sulfatase deficiency. Last evaluated: 2021-07-22. Review status: criteria provided, single submitter. Criteria: ACMG Guidelines, 2015. Collection method: clinical testing. Allele origin: germline. Affected: no.

Illumina Laboratory Services, Illumina
Classification: Benign for Multiple sulfatase deficiency. Last evaluated: 2018-01-12. Review status: criteria provided, single submitter. Criteria: ICSL Variant Classification Criteria 13 December 2019. Collection method: clinical testing. Allele origin: germline.
Comment: This variant was observed in the ICSL laboratory as part of a predisposition screen in an ostensibly healthy population. It had not been previously curated by ICSL or reported in the Human Gene Mutation Database (HGMD: prior to June 1st, 2018), and was therefore a candidate for classification through an automated scoring system. Utilizing variant allele frequency, disease prevalence and penetrance estimates, and inheritance mode, an automated score was calculated to assess if this variant is too frequent to cause the disease. Based on the score and internal cut-off values, a variant classified as benign is not then subjected to further curation. The score for this variant resulted in a classification of benign for this disease.

Natera, Inc.
Classification: Benign for Multiple sulfatase deficiency. Last evaluated: 2019-10-28. Review status: no assertion criteria provided. Collection method: clinical testing. Allele origin: germline. Not counted in ClinVar's aggregate classification.

PreventionGenetics, part of Exact Sciences
Classification: Benign for SUMF1-related condition. Last evaluated: 2019-06-27. Review status: no assertion criteria provided. Collection method: clinical testing. Allele origin: germline. Not counted in ClinVar's aggregate classification.
Comment: This variant is classified as benign based on ACMG/AMP sequence variant interpretation guidelines (Richards et al. 2015 PMID: 25741868, with internal and published modifications).

NM_182760.4(SUMF1):c.95C>T (p.Ala32Val)

Gene: SUMF1 (sulfatase modifying factor 1; minus strand). Cytogenetic location: 3p26.1.
Variant type: single nucleotide variant.
Coding change: c.95C>T on transcript NM_182760.4 (MANE Select); coding-DNA position 95, C replaced by T.
Protein change: p.Ala32Val; replaces alanine 32 with valine.
Molecular consequence: missense variant.
Genome position (GRCh38, 1-based): chr3:4,467,151, G>A on the plus strand (C>T on the coding strand, the complement: SUMF1 is on the minus strand). VCF-style: chr3-4467151-G-A. GRCh37 (hg19) VCF-style: chr3-4508835-G-A.
Other names: c.95C>T, p.Ala32Val (NM_001164674.2, NM_001164675.2); short protein forms A32V.
Identifiers: ClinVar variation 345328 (VCV000345328.21), dbSNP rs374677940, ClinGen allele CA2230716.